The following is an entry in ClinVar:

ClinVar aggregate classification (germline): Uncertain significance. Review status: criteria provided, multiple submitters, no conflicts (2 of 4 stars). 4 submissions from 4 submitters: Uncertain significance (4). Last evaluated 2026-08-06.

Conditions:
NBAS-related disorder. Also called: NBAS-related condition.
Monogenic short statue.

Allele frequency attached by ClinVar (database versions not stated): gnomAD exomes 0.00004 and 0.00007; gnomAD 0.00006 and 0.00007; ExAC 0.00008; TOPMed 0.00013.
gnomAD v4.1: 78 of 1,609,898 alleles (0.0048%); highest among the groups gnomAD compares: Admixed American, 0.022%; no homozygotes.

Submissions (4):

NHS Central & South Genomic Laboratory Hub
Classification: Uncertain significance for Monogenic short statue. Last evaluated: 2026-08-06. Review status: criteria provided, single submitter. Criteria: ACMG Guidelines, 2015. Collection method: clinical testing. Allele origin: germline. Affected: yes.

Women's Health and Genetics/Laboratory Corporation of America, LabCorp
Classification: Uncertain significance. Last evaluated: 2025-10-02. Review status: criteria provided, single submitter. Criteria: LabCorp Variant Classification Summary - May 2015. Collection method: clinical testing. Allele origin: germline.
Comment: Variant summary: NBAS c.191G>A (p.Arg64His) results in a non-conservative amino acid change in the encoded protein sequence. Algorithms developed to predict the effect of missense changes on protein structure and function are either unavailable or do not agree on the potential impact of this missense change. The variant allele was found at a frequency of 6.8e-05 in 251150 control chromosomes (gnomAD). This frequency is not significantly higher than estimated for disease-causing variants in NBAS, allowing no conclusion about variant significance. c.191G>A has been observed in one individual affected with Liver Failure Acute (Hegarty_2021). The report does not provide unequivocal conclusions about association of the variant with Liver Failure Acute Infantile, Type 2. To our knowledge, no experimental evidence demonstrating an impact on protein function has been reported. The following publication have been ascertained in the context of this evaluation (PMID: 34023347). ClinVar contains an entry for this variant (Variation ID: 1466065). Based on the evidence outlined above, the variant was classified as uncertain significance.

PreventionGenetics, part of Exact Sciences
Classification: Uncertain significance for NBAS-related condition. Last evaluated: 2025-09-25. Review status: criteria provided, single submitter. Criteria: ACMG Guidelines, 2015. Collection method: clinical testing. Allele origin: germline.
Comment: The NBAS c.191G>A variant is predicted to result in the amino acid substitution p.Arg64His. This variant has been reported in the compound heterozygous state in an individual with acute liver failure (Hegarty et al. 2021. PubMed ID: 34023347). This variant is reported in 0.017% of alleles in individuals of Latino descent in gnomAD. At this time, the clinical significance of this variant is uncertain due to the absence of conclusive functional and genetic evidence.

Labcorp Genetics (formerly Invitae), Labcorp
Classification: Uncertain significance. Last evaluated: 2024-01-30. Review status: criteria provided, single submitter. Criteria: Invitae Variant Classification Sherloc (09022015). Collection method: clinical testing. Allele origin: germline.
Comment: This sequence change replaces arginine, which is basic and polar, with histidine, which is basic and polar, at codon 64 of the NBAS protein (p.Arg64His). The frequency data for this variant in the population databases is considered unreliable, as metrics indicate poor data quality at this position in the gnomAD database. This variant has not been reported in the literature in individuals affected with NBAS-related conditions. ClinVar contains an entry for this variant (Variation ID: 1466065). Advanced modeling of protein sequence and biophysical properties (such as structural, functional, and spatial information, amino acid conservation, physicochemical variation, residue mobility, and thermodynamic stability) performed at Invitae indicates that this missense variant is not expected to disrupt NBAS protein function with a negative predictive value of 95%. In summary, the available evidence is currently insufficient to determine the role of this variant in disease. Therefore, it has been classified as a Variant of Uncertain Significance.

Literature cited by the submitters: PubMed 34023347 (cited by Women's Health and Genetics/Laboratory Corporation of America, LabCorp).

NM_015909.4(NBAS):c.191G>A (p.Arg64His)

Gene: NBAS (NBAS subunit of NRZ tethering complex; minus strand). Cytogenetic location: 2p24.3.
Variant type: single nucleotide variant.
Coding change: c.191G>A on transcript NM_015909.4 (MANE Select); coding-DNA position 191, G replaced by A.
Protein change: p.Arg64His; replaces arginine 64 with histidine.
Molecular consequence: missense variant. On other transcripts: non-coding transcript variant (1).
Genome position (GRCh38, 1-based): chr2:15,556,801, C>T on the plus strand (G>A on the coding strand, the complement: NBAS is on the minus strand). VCF-style: chr2-15556801-C-T. GRCh37 (hg19) VCF-style: chr2-15696925-C-T.
Other names: c.191G>A (NM_015909.3); short protein forms R64H.
Identifiers: ClinVar variation 1466065 (VCV001466065.7), dbSNP rs772268045, ClinGen allele CA1537182.